The following is an entry in ClinVar:

NM_001135022.2(ELMOD3):c.943+3G>A

Gene: ELMOD3 (ELMO domain containing 3; plus strand). Cytogenetic location: 2p11.2.
Variant type: single nucleotide variant.
Coding change: c.943+3G>A on transcript NM_001135022.2 (MANE Select); 3 bases into the intron after coding-DNA position 943, G replaced by A.
Molecular consequence: intron variant. On other transcripts: missense variant (1).
Genome position (GRCh38, 1-based): chr2:85,390,268, G>A. VCF-style: chr2-85390268-G-A. GRCh37 (hg19) VCF-style: chr2-85617391-G-A.
Other names: c.943+3G>A (NM_001135021.1, NM_001329791.2, NM_001135021.2 and 3 more transcripts); c.946G>A, p.Val316Met (NM_032213.5); short protein forms V316M.
Identifiers: ClinVar variation 1364290 (VCV001364290.9), dbSNP rs192695926, ClinGen allele CA1740549.

ClinVar aggregate classification (germline): Conflicting classifications of pathogenicity. Review status: criteria provided, conflicting classifications (1 of 4 stars). 4 submissions from 4 submitters: Uncertain significance (2); Likely benign (2). Last evaluated 2026-01-12.

Conditions:
ELMOD3-related disorder. Also called: ELMOD3-related condition.

Allele frequency attached by ClinVar (database versions not stated): TOPMed 0.00006; gnomAD 0.00007 and 0.00010; ExAC 0.00014; gnomAD exomes 0.00014; 1000 Genomes Project 0.00040; 1000 Genomes Project 30x 0.00047.
gnomAD v4.1: 92 of 1,614,176 alleles (0.0057%); highest among the groups gnomAD compares: Admixed American, 0.053%; 1 homozygote.

Submissions (4):

Labcorp Genetics (formerly Invitae), Labcorp
Classification: Uncertain significance. Last evaluated: 2026-01-12. Review status: criteria provided, single submitter. Criteria: Invitae Variant Classification Sherloc (09022015). Collection method: clinical testing. Allele origin: germline.
Comment: This sequence change falls in intron 14 of the ELMOD3 gene. It does not directly change the encoded amino acid sequence of the ELMOD3 protein. It affects a nucleotide within the consensus splice site. This variant is present in population databases (rs192695926, gnomAD 0.05%). This variant has not been reported in the literature in individuals affected with ELMOD3-related conditions. ClinVar contains an entry for this variant (Variation ID: 1364290). Variants that disrupt the consensus splice site are a relatively common cause of aberrant splicing (PMID: 17576681, 9536098). Algorithms developed to predict the effect of sequence changes on RNA splicing suggest that this variant is not likely to affect RNA splicing. In summary, the available evidence is currently insufficient to determine the role of this variant in disease. Therefore, it has been classified as a Variant of Uncertain Significance.

PreventionGenetics, part of Exact Sciences
Classification: Likely benign for ELMOD3-related condition. Last evaluated: 2025-10-30. Review status: criteria provided, single submitter. Criteria: ACMG Guidelines, 2015. Collection method: clinical testing. Allele origin: germline.
Comment: This variant is classified as likely benign based on ACMG/AMP sequence variant interpretation guidelines (Richards et al. 2015 PMID: 25741868, with internal and published modifications).

Ambry Genetics
Classification: Uncertain significance. Last evaluated: 2024-06-19. Review status: criteria provided, single submitter. Criteria: Ambry Variant Classification Scheme 2023. Collection method: clinical testing. Allele origin: germline.

Blueprint Genetics
Classification: Likely benign. Last evaluated: 2022-04-07. Review status: criteria provided, single submitter. Criteria: ACMG Guidelines, 2015. Collection method: clinical testing. Allele origin: germline.

Literature cited by the submitters: PubMed 17576681 (cited by Labcorp Genetics (formerly Invitae), Labcorp); PubMed 9536098 (cited by Labcorp Genetics (formerly Invitae), Labcorp).